The following is an entry in ClinVar:

ClinVar aggregate classification (germline): Uncertain significance (1 of 4 stars; one submission).

Allele frequency attached by ClinVar (database versions not stated): gnomAD exomes below 0.00001; TOPMed below 0.00001; gnomAD 0.00001.
gnomAD v4.1: 2 of 1,613,970 alleles (0.00012%); highest among the groups gnomAD compares: African/African-American, 0.0013%; no homozygotes.

Submission:

Labcorp Genetics (formerly Invitae), Labcorp
Classification: Uncertain significance. Last evaluated: 2019-03-21. Review status: criteria provided, single submitter. Criteria: Invitae Variant Classification Sherloc (09022015). Collection method: clinical testing. Allele origin: germline.
Comment: This sequence change replaces alanine with threonine at codon 283 of the TPP1 protein (p.Ala283Thr). The alanine residue is moderately conserved and there is a small physicochemical difference between alanine and threonine. In summary, the available evidence is currently insufficient to determine the role of this variant in disease. Therefore, it has been classified as a Variant of Uncertain Significance. This variant is not present in population databases (ExAC no frequency). This variant has not been reported in the literature in individuals with TPP1-related conditions. Algorithms developed to predict the effect of missense changes on protein structure and function (SIFT, PolyPhen-2, Align-GVGD) all suggest that this variant is likely to be tolerated, but these predictions have not been confirmed by published functional studies and their clinical significance is uncertain.

NM_000391.4(TPP1):c.847G>A (p.Ala283Thr)

Gene: TPP1 (tripeptidyl peptidase 1; minus strand). Cytogenetic location: 11p15.4.
Variant type: single nucleotide variant.
Coding change: c.847G>A on transcript NM_000391.4 (MANE Select); coding-DNA position 847, G replaced by A.
Protein change: p.Ala283Thr; replaces alanine 283 with threonine.
Molecular consequence: missense variant.
Genome position (GRCh38, 1-based): chr11:6,616,700, C>T on the plus strand (G>A on the coding strand, the complement: TPP1 is on the minus strand). VCF-style: chr11-6616700-C-T. GRCh37 (hg19) VCF-style: chr11-6637931-C-T.
Other names: short protein forms A283T.
Identifiers: ClinVar variation 848262 (VCV000848262.9), dbSNP rs1456826284, ClinGen allele CA379474953.